The following is an entry in ClinVar:

ClinVar aggregate classification (germline): Uncertain significance. Review status: criteria provided, multiple submitters, no conflicts (2 of 4 stars). 2 submissions from 2 submitters: Uncertain significance (2). Last evaluated 2025-08-18.

Conditions:
Inborn genetic diseases. Identifiers: MedGen C0950123, MeSH D030342.
MEGF8-related Carpenter syndrome. Also called: Carpenter syndrome 2. Identifiers: Orphanet 65759, MedGen C3554247, MONDO:0013998, OMIM 614976.

Allele frequency attached by ClinVar (database versions not stated): ExAC 0.00005; gnomAD 0.00005; ESP Exome Variant Server 0.00008.
gnomAD v4.1: 22 of 1,583,058 alleles (0.0014%); highest among the groups gnomAD compares: African/African-American, 0.016%; no homozygotes.

Submissions (2):

Labcorp Genetics (formerly Invitae), Labcorp
Classification: Uncertain significance for MEGF8-related Carpenter syndrome. Last evaluated: 2025-08-18. Review status: criteria provided, single submitter. Criteria: Invitae Variant Classification Sherloc (09022015). Collection method: clinical testing. Allele origin: germline.
Comment: This sequence change replaces arginine, which is basic and polar, with histidine, which is basic and polar, at codon 1666 of the MEGF8 protein (p.Arg1666His). The frequency data for this variant in the population databases is considered unreliable, as metrics indicate poor data quality at this position in the gnomAD database. This variant has not been reported in the literature in individuals affected with MEGF8-related conditions. ClinVar contains an entry for this variant (Variation ID: 2181793). An algorithm developed to predict the effect of missense changes on protein structure and function (PolyPhen-2) suggests that this variant is likely to be tolerated. In summary, the available evidence is currently insufficient to determine the role of this variant in disease. Therefore, it has been classified as a Variant of Uncertain Significance.

Ambry Genetics
Classification: Uncertain significance for Inborn genetic diseases. Last evaluated: 2024-04-04. Review status: criteria provided, single submitter. Criteria: Ambry Variant Classification Scheme 2023. Collection method: clinical testing. Allele origin: germline.

NM_001271938.2(MEGF8):c.5198G>A (p.Arg1733His)

Gene: MEGF8 (multiple EGF like domains 8; plus strand). Cytogenetic location: 19q13.2.
Variant type: single nucleotide variant.
Coding change: c.5198G>A on transcript NM_001271938.2 (MANE Select); coding-DNA position 5198, G replaced by A.
Protein change: p.Arg1733His; replaces arginine 1733 with histidine.
Molecular consequence: missense variant.
Genome position (GRCh38, 1-based): chr19:42,358,809, G>A. VCF-style: chr19-42358809-G-A. GRCh37 (hg19) VCF-style: chr19-42862961-G-A.
Other names: c.4997G>A, p.Arg1666His (NM_001410.3); c.4997G>A (NM_001410.2); short protein forms R1733H, R1666H.
Identifiers: ClinVar variation 2181793 (VCV002181793.5), dbSNP rs371976691, ClinGen allele CA9475492.